The following is an entry in ClinVar:

NM_001875.5(CPS1):c.4102-324C>T

Gene: CPS1 (carbamoyl-phosphate synthase 1; plus strand). Cytogenetic location: 2q34.
Variant type: single nucleotide variant.
Coding change: c.4102-324C>T on transcript NM_001875.5 (MANE Select); 324 bases into the intron before coding-DNA position 4102, C replaced by T.
Molecular consequence: intron variant.
Genome position (GRCh38, 1-based): chr2:210,674,578, C>T. VCF-style: chr2-210674578-C-T. GRCh37 (hg19) VCF-style: chr2-211539302-C-T.
Other names: c.4102-324C>T (NM_001369257.1, NM_001122633.3); c.4135-324C>T (NM_001369256.1).
Identifiers: ClinVar variation 676203 (VCV000676203.2), dbSNP rs4567871, ClinGen allele CA11171126.

ClinVar aggregate classification (germline): Benign. Review status: criteria provided, multiple submitters, no conflicts (2 of 4 stars). 2 submissions from 2 submitters: Benign (2). Last evaluated 2018-06-19.

Allele frequency attached by ClinVar (database versions not stated): gnomAD exomes 0.17316; gnomAD 0.22217 and 0.22642; TOPMed 0.24223; 1000 Genomes Project 30x 0.34791; 1000 Genomes Project 0.35543.
gnomAD v4.1: 66,278 of 337,752 alleles (20%); highest among the groups gnomAD compares: East Asian, 70%; 10,623 homozygotes.

Submissions (2):

GeneDx
Classification: Benign. Last evaluated: 2018-06-19. Review status: criteria provided, single submitter. Criteria: GeneDx Variant Classification (06012015). Collection method: clinical testing. Allele origin: germline. Affected: yes.
Comment: This variant is considered likely benign or benign based on one or more of the following criteria: it is a conservative change, it occurs at a poorly conserved position in the protein, it is predicted to be benign by multiple in silico algorithms, and/or has population frequency not consistent with disease.

Breakthrough Genomics
Classification: Benign. Review status: criteria provided, single submitter. Criteria: ACMG Guidelines, 2015. Collection method: not provided. Allele origin: germline. Inheritance: Autosomal recessive inheritance. Affected: yes.